The following is an entry in ClinVar:

ClinVar aggregate classification (germline): Uncertain significance. Review status: criteria provided, multiple submitters, no conflicts (2 of 4 stars). 2 submissions from 2 submitters: Uncertain significance (2). Last evaluated 2025-10-12.

Conditions:
Sulfite oxidase deficiency. Also called: Isolated sulfite oxidase deficiency. Identifiers: Orphanet 833, Orphanet 99731, MedGen C0268624, MONDO:0010089, OMIM 272300, HP:0003643.

Allele frequency attached by ClinVar (database versions not stated): TOPMed below 0.00001; gnomAD 0.00001; gnomAD exomes 0.00002 and 0.00005; ExAC 0.00007; 1000 Genomes Project 0.00020; 1000 Genomes Project 30x 0.00031.

Submissions (2):

Labcorp Genetics (formerly Invitae), Labcorp
Classification: Uncertain significance for Sulfite oxidase deficiency. Last evaluated: 2025-10-12. Review status: criteria provided, single submitter. Criteria: Invitae Variant Classification Sherloc (09022015). Collection method: clinical testing. Allele origin: germline.
Comment: This sequence change replaces valine, which is neutral and non-polar, with methionine, which is neutral and non-polar, at codon 511 of the SUOX protein (p.Val511Met). This variant is present in population databases (rs189671778, gnomAD 0.03%). This variant has not been reported in the literature in individuals affected with SUOX-related conditions. ClinVar contains an entry for this variant (Variation ID: 1392283). Invitae Evidence Modeling of protein sequence and biophysical properties (such as structural, functional, and spatial information, amino acid conservation, physicochemical variation, residue mobility, and thermodynamic stability) indicates that this missense variant is not expected to disrupt SUOX protein function with a negative predictive value of 95%. In summary, the available evidence is currently insufficient to determine the role of this variant in disease. Therefore, it has been classified as a Variant of Uncertain Significance.

Fulgent Genetics
Classification: Uncertain significance for Sulfite oxidase deficiency. Last evaluated: 2021-07-20. Review status: criteria provided, single submitter. Criteria: ACMG Guidelines, 2015. Collection method: clinical testing. Allele origin: unknown.

NM_001032386.2(SUOX):c.1531G>A (p.Val511Met)

Gene: SUOX (sulfite oxidase; plus strand). Cytogenetic location: 12q13.2.
Variant type: single nucleotide variant.
Coding change: c.1531G>A on transcript NM_001032386.2 (MANE Select); coding-DNA position 1531, G replaced by A.
Protein change: p.Val511Met; replaces valine 511 with methionine.
Molecular consequence: missense variant.
Genome position (GRCh38, 1-based): chr12:56,004,920, G>A. VCF-style: chr12-56004920-G-A. GRCh37 (hg19) VCF-style: chr12-56398704-G-A.
Other names: c.1531G>A, p.Val511Met (NM_000456.3, NM_001032387.2); short protein forms V511M.
Identifiers: ClinVar variation 1392283 (VCV001392283.7), dbSNP rs189671778, ClinGen allele CA6621175.